The following is an entry in ClinVar:

NM_001190274.2(FBXO11):c.171_173dup (p.Pro66_Leu67insPro)

Gene: FBXO11 (F-box protein 11; minus strand). Cytogenetic location: 2p16.3.
Variant type: Duplication.
Coding change: c.171_173dup on transcript NM_001190274.2 (MANE Select); coding-DNA positions 171 to 173, 3 bases duplicated (TCC; older notation c.171_173dupTCC).
Protein change: p.Pro66_Leu67insPro.
Genome position (GRCh38, 1-based): chr2:47,905,548-47,905,550, GGA duplicated on the plus strand (TCC on the coding strand, the reverse complement: FBXO11 is on the minus strand); duplicating any 3 consecutive bases within chr2:47,905,548-47,905,552 gives the same sequence; the c. name uses the placement nearest the transcript's 3' end. VCF-style (leftmost placement, unchanged base first): chr2-47905547-C-CGGA. GRCh37 (hg19) VCF-style: chr2-48132686-C-CGGA.
Identifiers: ClinVar variation 2136238 (VCV002136238.1), dbSNP rs1212440450, ClinGen allele CA532707581.
Genomic context (GRCh38, chr2:47,905,547, plus strand): 5'-ACCCCGCTCGCCGACGTTGTTCCGCTCCTGAGGCAGCGGCGGAGGCGGCGGTGGCGGCGG[C>CGGA]GGAGGCTGCTGCTGCTGCTGCTGCTGCGGCGGCGGCGGAGGCTGCTGCTGGGGCGGCTGC-3'

ClinVar aggregate classification (germline): Uncertain significance (1 of 4 stars; one submission).

Submission:

GeneDx
Classification: Uncertain significance. Last evaluated: 2022-07-20. Review status: criteria provided, single submitter. Criteria: GeneDx Variant Classification Process June 2021. Collection method: clinical testing. Allele origin: germline. Affected: yes.
Comment: Not observed at significant frequency in large population cohorts (gnomAD); In-frame insertion of 1 amino acids in a non-repeat region; Has not been previously published as pathogenic or benign to our knowledge